The following is an entry in ClinVar:

NM_001206927.2(DNAH8):c.6058G>C (p.Asp2020His)

Gene: DNAH8 (dynein axonemal heavy chain 8; plus strand). Cytogenetic location: 6p21.2.
Variant type: single nucleotide variant.
Coding change: c.6058G>C on transcript NM_001206927.2 (MANE Select); coding-DNA position 6058, G replaced by C.
Protein change: p.Asp2020His; replaces aspartic acid 2020 with histidine.
Molecular consequence: missense variant.
Genome position (GRCh38, 1-based): chr6:38,860,556, G>C. VCF-style: chr6-38860556-G-C. GRCh37 (hg19) VCF-style: chr6-38828332-G-C.
Other names: c.5407G>C, p.Asp1803His (NM_001371.4); short protein forms D2020H, D1803H.
Identifiers: ClinVar variation 1976406 (VCV001976406.2), dbSNP rs761500520, ClinGen allele CA3789555.

ClinVar aggregate classification (germline): Uncertain significance (1 of 4 stars; one submission).

Conditions:
Primary ciliary dyskinesia. Also called: Ciliary dyskinesia. Identifiers: Orphanet 244, MedGen C0008780, MONDO:0016575, HP:0012265.

Allele frequency attached by ClinVar (database versions not stated): gnomAD 0.00001; ExAC 0.00002; gnomAD exomes 0.00002.
gnomAD v4.1: 26 of 1,542,426 alleles (0.0017%); highest among the groups gnomAD compares: Non-Finnish European, 0.0021%; no homozygotes.

Submission:

Labcorp Genetics (formerly Invitae), Labcorp
Classification: Uncertain significance for Primary ciliary dyskinesia. Last evaluated: 2022-04-10. Review status: criteria provided, single submitter. Criteria: Invitae Variant Classification Sherloc (09022015). Collection method: clinical testing. Allele origin: germline.
Comment: This sequence change replaces aspartic acid, which is acidic and polar, with histidine, which is basic and polar, at codon 2020 of the DNAH8 protein (p.Asp2020His). This variant is present in population databases (rs761500520, gnomAD 0.005%). This variant has not been reported in the literature in individuals affected with DNAH8-related conditions. Algorithms developed to predict the effect of missense changes on protein structure and function are either unavailable or do not agree on the potential impact of this missense change (SIFT: "Deleterious"; PolyPhen-2: "Not Available"; Align-GVGD: "Class C0"). In summary, the available evidence is currently insufficient to determine the role of this variant in disease. Therefore, it has been classified as a Variant of Uncertain Significance.